The following is an entry in ClinVar:

ClinVar aggregate classification (germline): Uncertain significance (1 of 4 stars; one submission).

Conditions:
Polycystic kidney disease, adult type (PKD1). Also called: Polycystic Kidney, Autosomal Dominant; POLYCYSTIC KIDNEY DISEASE, ADULT, TYPE I; Polycystic Kidney Disease 1, Autosomal Dominant; Polycystic kidney disease 1; Polycystic kidney disease 1, severe; POLYCYSTIC KIDNEY DISEASE 1 WITH OR WITHOUT POLYCYSTIC LIVER DISEASE. Identifiers: MedGen C3149841, MONDO:0008263, OMIM 173900.

Submission:

3billion
Classification: Uncertain significance for Polycystic kidney disease, adult type. Last evaluated: 2025-12-17. Review status: criteria provided, single submitter. Criteria: ACMG Guidelines, 2015. Collection method: clinical testing. Allele origin: germline. Affected: yes.
Comment: The variant is not observed in the gnomAD v4.1.0 dataset. Predicted Consequence/Location: Missense variant In silico tool predictions suggest damaging effect of the variant on gene or gene product [REVEL: 0.30 (>=0.6, sensitivity 0.68 and specificity 0.92); 3Cnet: 0.80 (> 0.75, sensitivity 0.96 and precision 0.92)]. Different missense changes at the same codon have been reported as of uncertain significance (ClinVar ID: VCV000994716). Therefore, this variant is classified as VUS according to the recommendation of ACMG/AMP guideline.

NM_001009944.3(PKD1):c.1823A>C (p.Gln608Pro)

Gene: PKD1 (polycystin 1, transient receptor potential channel interacting; minus strand). Cytogenetic location: 16p13.3.
Variant type: single nucleotide variant.
Coding change: c.1823A>C on transcript NM_001009944.3 (MANE Select); coding-DNA position 1823, A replaced by C.
Protein change: p.Gln608Pro; replaces glutamine 608 with proline.
Molecular consequence: missense variant.
Genome position (GRCh38, 1-based): chr16:2,116,018, T>G on the plus strand (A>C on the coding strand, the complement: PKD1 is on the minus strand). VCF-style: chr16-2116018-T-G. GRCh37 (hg19) VCF-style: chr16-2166019-T-G.
Other names: c.1823A>C, p.Gln608Pro (NM_000296.4); short protein forms Q608P.
Identifiers: ClinVar variation 4855925 (VCV004855925.1).